The following is an entry in ClinVar:

NM_053013.4(ENO3):c.1177-16C>T

Gene: ENO3 (enolase 3; plus strand). Cytogenetic location: 17p13.2.
Variant type: single nucleotide variant.
Coding change: c.1177-16C>T on transcript NM_053013.4 (MANE Select); 16 bases into the intron before coding-DNA position 1177, C replaced by T.
Molecular consequence: intron variant.
Genome position (GRCh38, 1-based): chr17:4,956,815, C>T. VCF-style: chr17-4956815-C-T. GRCh37 (hg19) VCF-style: chr17-4860110-C-T.
Other names: c.1177-16C>T (NM_001976.5); c.1048-16C>T (NM_001193503.2).
Identifiers: ClinVar variation 506814 (VCV000506814.9), dbSNP rs372893427, ClinGen allele CA8316588.

ClinVar aggregate classification (germline): Likely benign. Review status: criteria provided, multiple submitters, no conflicts (2 of 4 stars). 3 submissions from 3 submitters: Likely benign (3). Last evaluated 2025-08-11.

Conditions:
Glycogen storage disease due to muscle beta-enolase deficiency (GSD13). Also called: ENOLASE 3 DEFICIENCY; ENOLASE-BETA DEFICIENCY; GSD XIII; Glycogen Storage Disease Type XIII. Identifiers: Orphanet 99849, MedGen C2752027, MONDO:0013046, OMIM 612932.

Allele frequency attached by ClinVar (database versions not stated): TOPMed 0.00006; ESP Exome Variant Server 0.00031.
gnomAD v4.1: 64 of 1,614,038 alleles (0.004%); highest among the groups gnomAD compares: Non-Finnish European, 0.0049%; no homozygotes.

Submissions (3):

Labcorp Genetics (formerly Invitae), Labcorp
Classification: Likely benign for Glycogen storage disease due to muscle beta-enolase deficiency. Last evaluated: 2025-08-11. Review status: criteria provided, single submitter. Criteria: Invitae Variant Classification Sherloc (09022015). Collection method: clinical testing. Allele origin: germline.

GeneDx
Classification: Likely benign. Last evaluated: 2017-01-26. Review status: criteria provided, single submitter. Criteria: GeneDx Variant Classification (06012015). Collection method: clinical testing. Allele origin: germline. Affected: yes.
Comment: This variant is considered likely benign or benign based on one or more of the following criteria: it is a conservative change, it occurs at a poorly conserved position in the protein, it is predicted to be benign by multiple in silico algorithms, and/or has population frequency not consistent with disease.

Breakthrough Genomics
Classification: Likely benign. Review status: criteria provided, single submitter. Criteria: ACMG Guidelines, 2015. Collection method: not provided. Allele origin: germline. Inheritance: Autosomal recessive inheritance. Affected: yes.